The following is an entry in ClinVar:

NM_014845.6(FIG4):c.1574A>G (p.Asp525Gly)

Gene: FIG4 (FIG4 phosphoinositide 5-phosphatase; plus strand). Cytogenetic location: 6q21.
Variant type: single nucleotide variant.
Coding change: c.1574A>G on transcript NM_014845.6 (MANE Select); coding-DNA position 1574, A replaced by G.
Protein change: p.Asp525Gly; replaces aspartic acid 525 with glycine.
Molecular consequence: missense variant.
Genome position (GRCh38, 1-based): chr6:109,765,152, A>G. VCF-style: chr6-109765152-A-G. GRCh37 (hg19) VCF-style: chr6-110086355-A-G.
Other names: short protein forms D525G.
Identifiers: ClinVar variation 2159084 (VCV002159084.1), dbSNP rs1418156809, ClinGen allele CA365228087.

ClinVar aggregate classification (germline): Uncertain significance (1 of 4 stars; one submission).

Conditions:
Charcot-Marie-Tooth disease type 4. Also called: Charcot-Marie-Tooth disease, type IV; Charcot-Marie-Tooth, Type 4. Identifiers: Orphanet 64749, MedGen C4082197, MONDO:0018995.

Allele frequency attached by ClinVar (database versions not stated): gnomAD 0.00001; gnomAD exomes 0.00001; TOPMed 0.00002.
gnomAD v4.1: 27 of 1,613,940 alleles (0.0017%); highest among the groups gnomAD compares: Non-Finnish European, 0.00034%; no homozygotes.

Submission:

Labcorp Genetics (formerly Invitae), Labcorp
Classification: Uncertain significance for Charcot-Marie-Tooth disease type 4. Last evaluated: 2022-08-21. Review status: criteria provided, single submitter. Criteria: Invitae Variant Classification Sherloc (09022015). Collection method: clinical testing. Allele origin: germline.
Comment: This sequence change replaces aspartic acid, which is acidic and polar, with glycine, which is neutral and non-polar, at codon 525 of the FIG4 protein (p.Asp525Gly). This variant is present in population databases (no rsID available, gnomAD 0.05%). This variant has not been reported in the literature in individuals affected with FIG4-related conditions. Algorithms developed to predict the effect of missense changes on protein structure and function (SIFT, PolyPhen-2, Align-GVGD) all suggest that this variant is likely to be tolerated. In summary, the available evidence is currently insufficient to determine the role of this variant in disease. Therefore, it has been classified as a Variant of Uncertain Significance.